The following is an entry in ClinVar:

ClinVar aggregate classification (germline): Uncertain significance. Review status: criteria provided, multiple submitters, no conflicts (2 of 4 stars). 2 submissions from 2 submitters: Uncertain significance (2). Last evaluated 2026-08-18.

Conditions:
Hereditary cancer-predisposing syndrome. Also called: Tumor predisposition; Hereditary neoplastic syndrome; Neoplastic Syndromes, Hereditary; Hereditary Cancer Syndrome. Identifiers: Orphanet 140162, MedGen C0027672, MeSH D009386, MONDO:0015356.
Microcephaly, normal intelligence and immunodeficiency (NBS). Also called: SEEMANOVA SYNDROME II; Nijmegen breakage syndrome; IMMUNODEFICIENCY, MICROCEPHALY, AND CHROMOSOMAL INSTABILITY; Ataxia telangiectasia variant V1; Microcephaly with normal intelligence immunodeficiency and lymphoreticular malignancies; Nonsyndromal microcephaly autosomal recessive with normal intelligence. Identifiers: Orphanet 647, MedGen C0398791, MONDO:0009623, OMIM 251260.

Submissions (2):

Ambry Genetics
Classification: Uncertain significance for Hereditary cancer-predisposing syndrome. Last evaluated: 2026-08-18. Review status: criteria provided, single submitter. Criteria: Ambry Variant Classification Scheme 2023. Collection method: clinical testing. Allele origin: germline.
Comment: The p.K623R variant (also known as c.1868A>G), located in coding exon 12 of the NBN gene, results from an A to G substitution at nucleotide position 1868. The lysine at codon 623 is replaced by arginine, an amino acid with highly similar properties. This amino acid position is conserved. In addition, this alteration is predicted to be tolerated by in silico analysis. Based on the available evidence, the clinical significance of this variant remains unclear.

Labcorp Genetics (formerly Invitae), Labcorp
Classification: Uncertain significance for Microcephaly, normal intelligence and immunodeficiency. Last evaluated: 2019-04-04. Review status: criteria provided, single submitter. Criteria: Invitae Variant Classification Sherloc (09022015). Collection method: clinical testing. Allele origin: germline.
Comment: This sequence change replaces lysine with arginine at codon 623 of the NBN protein (p.Lys623Arg). The lysine residue is moderately conserved and there is a small physicochemical difference between lysine and arginine. This variant is not present in population databases (ExAC no frequency). This variant has not been reported in the literature in individuals with NBN-related conditions. Algorithms developed to predict the effect of missense changes on protein structure and function are either unavailable or do not agree on the potential impact of this missense change (SIFT: "Tolerated"; PolyPhen-2: "Possibly Damaging"; Align-GVGD: "Class C0"). In summary, the available evidence is currently insufficient to determine the role of this variant in disease. Therefore, it has been classified as a Variant of Uncertain Significance.

NM_002485.5(NBN):c.1868A>G (p.Lys623Arg)

Genes: NBN (nibrin; minus strand), LOC126860438 (MED14-independent group 3 enhancer GRCh37_chr8:90959982-90961181; plus strand). Cytogenetic location: 8q21.3.
Variant type: single nucleotide variant.
Coding change: c.1868A>G on transcript NM_002485.5 (MANE Select); coding-DNA position 1868, A replaced by G.
Protein change: p.Lys623Arg; replaces lysine 623 with arginine.
Molecular consequence: missense variant.
Genome position (GRCh38, 1-based): chr8:89,947,870, T>C on the plus strand (A>G on the coding strand, the complement: NBN is on the minus strand). VCF-style: chr8-89947870-T-C. GRCh37 (hg19) VCF-style: chr8-90960098-T-C.
Other names: c.1622A>G, p.Lys541Arg (NM_001024688.3); short protein forms K541R, K623R.
Identifiers: ClinVar variation 836246 (VCV000836246.11), dbSNP rs1810269932, ClinGen allele CA371677274.